The following is an entry in ClinVar:

NM_002489.3(COXFA4):c.-234G>A

Gene: COXFA4 (cytochrome c oxidase associated subunit FA4; minus strand). Cytogenetic location: 7p21.3.
Variant type: single nucleotide variant.
Coding change: c.-234G>A on transcript NM_002489.3; 234 bases upstream of the start codon, G replaced by A.
Genome position (GRCh38, 1-based): chr7:10,940,291, C>T on the plus strand (G>A on the coding strand, the complement: COXFA4 is on the minus strand). VCF-style: chr7-10940291-C-T. GRCh37 (hg19) VCF-style: chr7-10979918-C-T.
Identifiers: ClinVar variation 677067 (VCV000677067.4), dbSNP rs6961269, ClinGen allele CA153887007.

ClinVar aggregate classification (germline): Likely benign. Review status: criteria provided, multiple submitters, no conflicts (2 of 4 stars). 2 submissions from 2 submitters: Likely benign (2). Last evaluated 2018-06-16.

Allele frequency attached by ClinVar (database versions not stated): 1000 Genomes Project 0.00719; 1000 Genomes Project 30x 0.00812.

Submissions (2):

GeneDx
Classification: Likely benign. Last evaluated: 2018-06-16. Review status: criteria provided, single submitter. Criteria: GeneDx Variant Classification (06012015). Collection method: clinical testing. Allele origin: germline. Affected: yes.
Comment: This variant is considered likely benign or benign based on one or more of the following criteria: it is a conservative change, it occurs at a poorly conserved position in the protein, it is predicted to be benign by multiple in silico algorithms, and/or has population frequency not consistent with disease.

Breakthrough Genomics
Classification: Likely benign. Review status: criteria provided, single submitter. Criteria: ACMG Guidelines, 2015. Collection method: not provided. Allele origin: germline. Inheritance: Autosomal recessive inheritance. Affected: yes.